The following is an entry in ClinVar:

NM_020461.4(TUBGCP6):c.2621T>C (p.Val874Ala)

Gene: TUBGCP6 (tubulin gamma complex component 6; minus strand). Cytogenetic location: 22q13.33.
Variant type: single nucleotide variant.
Coding change: c.2621T>C on transcript NM_020461.4 (MANE Select); coding-DNA position 2621, T replaced by C.
Protein change: p.Val874Ala; replaces valine 874 with alanine.
Molecular consequence: missense variant.
Genome position (GRCh38, 1-based): chr22:50,221,738, A>G on the plus strand (T>C on the coding strand, the complement: TUBGCP6 is on the minus strand). VCF-style: chr22-50221738-A-G. GRCh37 (hg19) VCF-style: chr22-50660167-A-G.
Other names: short protein forms V874A.
Identifiers: ClinVar variation 4701953 (VCV004701953.1).

ClinVar aggregate classification (germline): Uncertain significance (1 of 4 stars; one submission).

gnomAD v4.1: 5 of 1,514,918 alleles (0.00033%); highest among the groups gnomAD compares: East Asian, 0.0068%; no homozygotes.

Submission:

Labcorp Genetics (formerly Invitae), Labcorp
Classification: Uncertain significance. Last evaluated: 2025-11-18. Review status: criteria provided, single submitter. Criteria: Invitae Variant Classification Sherloc (09022015). Collection method: clinical testing. Allele origin: germline.
Comment: This sequence change replaces valine, which is neutral and non-polar, with alanine, which is neutral and non-polar, at codon 874 of the TUBGCP6 protein (p.Val874Ala). This variant is present in population databases (no rsID available, gnomAD 0.007%). This variant has not been reported in the literature in individuals affected with TUBGCP6-related conditions. An algorithm developed to predict the effect of missense changes on protein structure and function outputs the following: PolyPhen-2: "Benign". The alanine amino acid residue is found in multiple mammalian species, which suggests that this missense change does not adversely affect protein function. In summary, the available evidence is currently insufficient to determine the role of this variant in disease. Therefore, it has been classified as a Variant of Uncertain Significance.